The following is an entry in ClinVar:

ClinVar aggregate classification (germline): Conflicting classifications of pathogenicity. Review status: criteria provided, conflicting classifications (1 of 4 stars). 4 submissions from 4 submitters: Uncertain significance (2); Benign (2). Last evaluated 2025-11-08.

Conditions:
Inborn genetic diseases. Identifiers: MedGen C0950123, MeSH D030342.

Allele frequency attached by ClinVar (database versions not stated): TOPMed 0.00025; 1000 Genomes Project 0.00040; 1000 Genomes Project 30x 0.00062.
gnomAD v4.1: 126 of 1,559,258 alleles (0.0081%); highest among the groups gnomAD compares: East Asian, 0.2%; no homozygotes.

Submissions (4):

Labcorp Genetics (formerly Invitae), Labcorp
Classification: Benign. Last evaluated: 2025-11-08. Review status: criteria provided, single submitter. Criteria: Invitae Variant Classification Sherloc (09022015). Collection method: clinical testing. Allele origin: germline.

GeneDx
Classification: Uncertain significance. Last evaluated: 2024-09-04. Review status: criteria provided, single submitter. Criteria: GeneDx Variant Classification Process June 2021. Collection method: clinical testing. Allele origin: germline. Affected: yes.
Comment: Has not been previously published as pathogenic or benign to our knowledge; In silico analysis supports that this missense variant has a deleterious effect on protein structure/function

Blueprint Genetics
Classification: Benign. Last evaluated: 2024-06-17. Review status: criteria provided, single submitter. Criteria: ACMG Guidelines, 2015. Collection method: clinical testing. Allele origin: germline.

Ambry Genetics
Classification: Uncertain significance for Inborn genetic diseases. Last evaluated: 2023-05-18. Review status: criteria provided, single submitter. Criteria: Ambry Variant Classification Scheme 2023. Collection method: clinical testing. Allele origin: germline.

NM_001853.4(COL9A3):c.665C>T (p.Pro222Leu)

Gene: COL9A3 (collagen type IX alpha 3 chain; plus strand). Cytogenetic location: 20q13.33.
Variant type: single nucleotide variant.
Coding change: c.665C>T on transcript NM_001853.4 (MANE Select); coding-DNA position 665, C replaced by T.
Protein change: p.Pro222Leu; replaces proline 222 with leucine.
Molecular consequence: missense variant.
Genome position (GRCh38, 1-based): chr20:62,825,851, C>T. VCF-style: chr20-62825851-C-T. GRCh37 (hg19) VCF-style: chr20-61457203-C-T.
Other names: c.665C>T, p.Pro222Leu (LRG_1253t1); short protein forms P222L.
Identifiers: ClinVar variation 1326652 (VCV001326652.14), dbSNP rs202005710, ClinGen allele CA9949426.